The following is an entry in ClinVar:

NM_001012614.2(CTBP1):c.256C>T (p.Arg86Trp)

Gene: CTBP1 (C-terminal binding protein 1; minus strand). Cytogenetic location: 4p16.3.
Variant type: single nucleotide variant.
Coding change: c.256C>T on transcript NM_001012614.2 (MANE Select); coding-DNA position 256, C replaced by T.
Protein change: p.Arg86Trp; replaces arginine 86 with tryptophan.
Molecular consequence: missense variant.
Genome position (GRCh38, 1-based): chr4:1,228,250, G>A on the plus strand (C>T on the coding strand, the complement: CTBP1 is on the minus strand). VCF-style: chr4-1228250-G-A. GRCh37 (hg19) VCF-style: chr4-1222038-G-A.
Other names: c.256C>T, p.Arg86Trp (NM_001377192.1, NM_001377193.1, NM_001377187.1 and 4 more transcripts); c.289C>T, p.Arg97Trp (NM_001328.3, NM_001377186.1); short protein forms R86W, R97W.
Identifiers: ClinVar variation 4278860 (VCV004278860.1).
Genomic context (GRCh38, chr4:1,228,250, plus strand): 5'-CCGGCCTACCTAAATCCCCGGCCGACTTGATGTCGATGTTGTCAAAACCACTGCCAATCC[G>A]GACGATGATGCGGAGGGCTTTGAACTTCTCCAGGTCCTCCCTGGTGAGAGTGATGGTGTG-3'
Protein context (NP_001012632.1, residues 76-96): EKFKALRIIV[Arg86Trp]IGSGFDNIDI

ClinVar aggregate classification (germline): Uncertain significance (1 of 4 stars; one submission).

Submission:

GeneDx
Classification: Uncertain significance. Last evaluated: 2025-03-31. Review status: criteria provided, single submitter. Criteria: GeneDx Variant Classification Process June 2021. Collection method: clinical testing. Allele origin: germline. Affected: yes.
Comment: Not observed at significant frequency in large population cohorts (gnomAD); In silico analysis supports that this missense variant has a deleterious effect on protein structure/function; Has not been previously published as pathogenic or benign to our knowledge